The following is an entry in ClinVar:

ClinVar aggregate classification (germline): Uncertain significance (1 of 4 stars; one submission).

Conditions:
Inborn genetic diseases. Identifiers: MedGen C0950123, MeSH D030342.

Submission:

Ambry Genetics
Classification: Uncertain significance for Inborn genetic diseases. Last evaluated: 2019-06-17. Review status: criteria provided, single submitter. Criteria: Ambry Variant Classification Scheme 2023. Collection method: clinical testing. Allele origin: germline.
Comment: The p.E809K variant (also known as c.2425G>A), located in coding exon 7 of the ZEB2 gene, results from a G to A substitution at nucleotide position 2425. The glutamic acid at codon 809 is replaced by lysine, an amino acid with similar properties. This amino acid position is highly conserved in available vertebrate species. In addition, the in silico prediction for this alteration is inconclusive. Since supporting evidence is limited at this time, the clinical significance of this alteration remains unclear.

NM_014795.4(ZEB2):c.2425G>A (p.Glu809Lys)

Gene: ZEB2 (zinc finger E-box binding homeobox 2; minus strand). Cytogenetic location: 2q22.3.
Variant type: single nucleotide variant.
Coding change: c.2425G>A on transcript NM_014795.4 (MANE Select); coding-DNA position 2425, G replaced by A.
Protein change: p.Glu809Lys; replaces glutamic acid 809 with lysine.
Molecular consequence: missense variant.
Genome position (GRCh38, 1-based): chr2:144,398,762, C>T on the plus strand (G>A on the coding strand, the complement: ZEB2 is on the minus strand). VCF-style: chr2-144398762-C-T. GRCh37 (hg19) VCF-style: chr2-145156329-C-T.
Other names: c.2353G>A, p.Glu785Lys (NM_001171653.2); short protein forms E809K, E785K.
Identifiers: ClinVar variation 1791083 (VCV001791083.2), dbSNP rs1703265228, ClinGen allele CA348708315.